The following is an entry in ClinVar:

ClinVar aggregate classification (germline): Uncertain significance (1 of 4 stars; one submission).

Conditions:
Dilated cardiomyopathy 1G (CMD1G). Identifiers: Orphanet 154, MedGen C1858763, MONDO:0011400, OMIM 604145.
Autosomal recessive limb-girdle muscular dystrophy type 2J (LGMDR10). Also called: Limb-girdle muscular dystrophy, type 2J; MUSCULAR DYSTROPHY, LIMB-GIRDLE, AUTOSOMAL RECESSIVE 10. Identifiers: Orphanet 140922, MedGen C1837342, MONDO:0012127, OMIM 608807.

Submission:

Labcorp Genetics (formerly Invitae), Labcorp
Classification: Uncertain significance for Dilated cardiomyopathy 1G; Autosomal recessive limb-girdle muscular dystrophy type 2J. Last evaluated: 2025-04-25. Review status: criteria provided, single submitter. Criteria: Invitae Variant Classification Sherloc (09022015). Collection method: clinical testing. Allele origin: germline.
Comment: This sequence change replaces asparagine, which is neutral and polar, with aspartic acid, which is acidic and polar, at codon 33934 of the TTN protein (p.Asn33934Asp). This variant is not present in population databases (gnomAD no frequency). This variant has not been reported in the literature in individuals affected with TTN-related conditions. ClinVar contains an entry for this variant (Variation ID: 3757703). Experimental studies and prediction algorithms are not available or were not evaluated, and the functional significance of this variant is currently unknown. This variant is located in the M band of TTN (PMID: 25589632). Non-truncating variants in this region may be relevant for neuromuscular disorders, but have not been definitively shown to cause cardiomyopathy (PMID: 23975875). In summary, the available evidence is currently insufficient to determine the role of this variant in disease. Therefore, it has been classified as a Variant of Uncertain Significance.

Literature cited by the submitters: PubMed 25589632; PubMed 23975875.

NM_001267550.2(TTN):c.101800A>G (p.Asn33934Asp)

Genes: TTN (titin; minus strand), TTN-AS1 (TTN antisense RNA 1; plus strand). Cytogenetic location: 2q31.2.
Variant type: single nucleotide variant.
Coding change: c.101800A>G on transcript NM_001267550.2 (MANE Select); coding-DNA position 101800, A replaced by G.
Protein change: p.Asn33934Asp; replaces asparagine 33934 with aspartic acid.
Molecular consequence: missense variant.
Genome position (GRCh38, 1-based): chr2:178,534,815, T>C on the plus strand (A>G on the coding strand, the complement: TTN is on the minus strand). VCF-style: chr2-178534815-T-C. GRCh37 (hg19) VCF-style: chr2-179399542-T-C.
Other names: c.96877A>G, p.Asn32293Asp (NM_001256850.1); c.74605A>G, p.Asn24869Asp (NM_003319.4); c.94096A>G, p.Asn31366Asp (NM_133378.4); c.74980A>G, p.Asn24994Asp (NM_133432.3); c.75181A>G, p.Asn25061Asp (NM_133437.4); short protein forms N24869D, N24994D, N25061D, N31366D, N32293D, N33934D.
Identifiers: ClinVar variation 3757703 (VCV003757703.2).
Genomic context (GRCh38, chr2:178,534,815, plus strand): 5'-TAGAGCTTCTTCTGGTTTGGTAAATGATATTTTCTGGTCTAATGTCAAAGTGTCCAATAT[T>C]ATGACTGTGTAAAAACTGAAGTGCTTCACAGACCTGGTGAACATAACTTACAATTTCTCT-3'
Protein context (NP_001254479.2, residues 33924-33944): CEALQFLHSH[Asn33934Asp]IGHFDIRPEN